The following is an entry in ClinVar:

NM_000136.3(FANCC):c.140A>G (p.Lys47Arg)

Gene: FANCC (FA complementation group C; minus strand). Cytogenetic location: 9q22.32.
Variant type: single nucleotide variant.
Coding change: c.140A>G on transcript NM_000136.3 (MANE Select); coding-DNA position 140, A replaced by G.
Protein change: p.Lys47Arg; replaces lysine 47 with arginine.
Molecular consequence: missense variant.
Genome position (GRCh38, 1-based): chr9:95,249,152, T>C on the plus strand (A>G on the coding strand, the complement: FANCC is on the minus strand). VCF-style: chr9-95249152-T-C. GRCh37 (hg19) VCF-style: chr9-98011434-T-C.
Other names: c.140A>G, p.Lys47Arg (NM_001243743.2, NM_001243744.2); short protein forms K47R.
Identifiers: ClinVar variation 819143 (VCV000819143.6), dbSNP rs1588353368, ClinGen allele CA374340245.

ClinVar aggregate classification (germline): Uncertain significance. Review status: criteria provided, single submitter (1 of 4 stars). 2 submissions from 2 submitters: Uncertain significance (1). 1 of the submissions does not count toward it. Last evaluated 2023-03-06.

Conditions:
Fanconi anemia (FA). Also called: Fanconi's anemia. Identifiers: Orphanet 84, MedGen C0015625, MeSH D005199, MONDO:0019391.
Hereditary cancer-predisposing syndrome. Also called: Tumor predisposition; Hereditary neoplastic syndrome; Neoplastic Syndromes, Hereditary; Hereditary Cancer Syndrome. Identifiers: Orphanet 140162, MedGen C0027672, MeSH D009386, MONDO:0015356.

gnomAD v4.1: 1 of 1,614,050 alleles (0.000062%); highest among the groups gnomAD compares: Non-Finnish European, 0.000085%; no homozygotes.

Submissions (2):

Ambry Genetics
Classification: Uncertain significance for Hereditary cancer-predisposing syndrome. Last evaluated: 2023-03-06. Review status: criteria provided, single submitter. Criteria: Ambry Variant Classification Scheme 2023. Collection method: clinical testing. Allele origin: germline.
Comment: The p.K47R variant (also known as c.140A>G), located in coding exon 1 of the FANCC gene, results from an A to G substitution at nucleotide position 140. The lysine at codon 47 is replaced by arginine, an amino acid with highly similar properties. This amino acid position is poorly conserved in available vertebrate species. In addition, this alteration is predicted to be tolerated by in silico analysis. Since supporting evidence is limited at this time, the clinical significance of this alteration remains unclear.

Natera, Inc.
Classification: Uncertain significance for Fanconi anemia. Last evaluated: 2021-02-27. Review status: no assertion criteria provided. Collection method: clinical testing. Allele origin: germline. Not counted in ClinVar's aggregate classification.